The following is an entry in ClinVar:

NM_176824.3(BBS7):c.1375C>T (p.Arg459Cys)

Gene: BBS7 (Bardet-Biedl syndrome 7; minus strand). Cytogenetic location: 4q27.
Variant type: single nucleotide variant.
Coding change: c.1375C>T on transcript NM_176824.3 (MANE Select); coding-DNA position 1375, C replaced by T.
Protein change: p.Arg459Cys; replaces arginine 459 with cysteine.
Molecular consequence: missense variant.
Genome position (GRCh38, 1-based): chr4:121,835,280, G>A on the plus strand (C>T on the coding strand, the complement: BBS7 is on the minus strand). VCF-style: chr4-121835280-G-A. GRCh37 (hg19) VCF-style: chr4-122756435-G-A.
Other names: c.1375C>T, p.Arg459Cys (NM_018190.4); short protein forms R459C.
Identifiers: ClinVar variation 434498 (VCV000434498.44), dbSNP rs150743868, ClinGen allele CA3064234.
Genomic context (GRCh38, chr4:121,835,280, plus strand): 5'-TGGGTTGAATTCTTGGAGTCACATATGCTTGTAGTGTGCCATACTGGCCTTCAATTGAGC[G>A]AATCTGATTCAACACAAAAGAGGAAATAAAATAAGAATATTTAGCAACAAAACATATCTT-3'
Protein context (NP_789794.1, residues 449-469): ADTTRLELKI[Arg459Cys]SIEGQYGTLQ

ClinVar aggregate classification (germline): Uncertain significance. Review status: criteria provided, multiple submitters, no conflicts (2 of 4 stars). 11 submissions from 11 submitters: Uncertain significance (10). 1 of the submissions does not count toward it. Last evaluated 2026-09-25.

Conditions:
Bardet-Biedl syndrome 7 (BBS7). Identifiers: Orphanet 110, MedGen C1859565, MONDO:0014435, OMIM 615984.
Inborn genetic diseases. Identifiers: MedGen C0950123, MeSH D030342.
Bardet-Biedl syndrome (BBS). Identifiers: Orphanet 110, MedGen C0752166, MONDO:0015229.
Retinitis pigmentosa (RP). Identifiers: Orphanet 791, MedGen C0035334, MeSH D012174, MONDO:0019200, OMIM 268000. Inheritance: Autosomal dominant, autosomal recessive and X linked inheritance.
BBS7-related disorder. Also called: BBS7-related condition.

Allele frequency attached by ClinVar (database versions not stated): ExAC 0.00023; gnomAD 0.00025; gnomAD exomes 0.00028 and 0.00031; TOPMed 0.00028; ESP Exome Variant Server 0.00031.

Submissions (11):

PreventionGenetics, part of Exact Sciences
Classification: Uncertain significance for BBS7-related condition. Last evaluated: 2026-09-25. Review status: criteria provided, single submitter. Criteria: ACMG Guidelines, 2015. Collection method: clinical testing. Allele origin: germline.
Comment: The BBS7 c.1375C>T variant is predicted to result in the amino acid substitution p.Arg459Cys. This variant was found in the heterozygous state in an individual with retinitis pigmentosa; however, a second variant was not identified (Table S4, Jespersgaard et al. 2019. PubMed ID: 30718709). This variant is reported in 0.048% of alleles in individuals of Latino descent in gnomAD including one homozygote. At this time, the clinical significance of this variant is uncertain due to the absence of conclusive functional and genetic evidence.

Women's Health and Genetics/Laboratory Corporation of America, LabCorp
Classification: Uncertain significance. Last evaluated: 2024-09-09. Review status: criteria provided, single submitter. Criteria: LabCorp Variant Classification Summary - May 2015. Collection method: clinical testing. Allele origin: germline.
Comment: Variant summary: BBS7 c.1375C>T (p.Arg459Cys) results in a non-conservative amino acid change in the encoded protein sequence. Five of five in-silico tools predict a damaging effect of the variant on protein function. The variant allele was found at a frequency of 0.00028 in 251172 control chromosomes in the gnomAD database, including 1 homozygotes. This frequency is not significantly higher than estimated for a pathogenic variant in BBS7 causing Bardet-Biedl Syndrome (0.00028 vs 0.00062), allowing no conclusion about variant significance. c.1375C>T has been reported in the literature in one individual affected with retinitis pigmentosa. These report(s) do not provide unequivocal conclusions about association of the variant with Bardet-Biedl Syndrome. To our knowledge, no experimental evidence demonstrating an impact on protein function has been reported. The following publication have been ascertained in the context of this evaluation (PMID: 30718709). ClinVar contains an entry for this variant (Variation ID: 434498). Based on the evidence outlined above, the variant was classified as uncertain significance.

Blueprint Genetics
Classification: Uncertain significance. Last evaluated: 2024-08-22. Review status: criteria provided, single submitter. Criteria: ACMG Guidelines, 2015. Collection method: clinical testing. Allele origin: germline.

CeGaT Center for Human Genetics Tuebingen
Classification: Uncertain significance. Last evaluated: 2024-01-01. Review status: criteria provided, single submitter. Criteria: CeGaT Center For Human Genetics Tuebingen Variant Classification Criteria Version 2. Collection method: clinical testing. Allele origin: germline. Affected: yes. Observed: 1 variant allele.
Comment: BBS7: PP3

Labcorp Genetics (formerly Invitae), Labcorp
Classification: Uncertain significance for Bardet-Biedl syndrome. Last evaluated: 2022-10-25. Review status: criteria provided, single submitter. Criteria: Invitae Variant Classification Sherloc (09022015). Collection method: clinical testing. Allele origin: germline.
Comment: This sequence change replaces arginine, which is basic and polar, with cysteine, which is neutral and slightly polar, at codon 459 of the BBS7 protein (p.Arg459Cys). This variant is present in population databases (rs150743868, gnomAD 0.05%). This missense change has been observed in individual(s) with retinitis pigmentosa (PMID: 30718709). ClinVar contains an entry for this variant (Variation ID: 434498). Advanced modeling of protein sequence and biophysical properties (such as structural, functional, and spatial information, amino acid conservation, physicochemical variation, residue mobility, and thermodynamic stability) performed at Invitae indicates that this missense variant is expected to disrupt BBS7 protein function. In summary, the available evidence is currently insufficient to determine the role of this variant in disease. Therefore, it has been classified as a Variant of Uncertain Significance.

Ambry Genetics
Classification: Uncertain significance for Inborn genetic diseases. Last evaluated: 2022-07-28. Review status: criteria provided, single submitter. Criteria: Ambry Variant Classification Scheme 2023. Collection method: clinical testing. Allele origin: germline.

Fulgent Genetics
Classification: Uncertain significance for Bardet-Biedl syndrome 7. Last evaluated: 2022-04-06. Review status: criteria provided, single submitter. Criteria: ACMG Guidelines, 2015. Collection method: clinical testing. Allele origin: unknown.

Illumina Laboratory Services, Illumina
Classification: Uncertain significance for Bardet-Biedl syndrome 7. Last evaluated: 2018-01-12. Review status: criteria provided, single submitter. Criteria: ICSL Variant Classification Criteria 13 December 2019. Collection method: clinical testing. Allele origin: germline.

Genetic Services Laboratory, University of Chicago
Classification: Uncertain significance. Last evaluated: 2017-04-05. Review status: criteria provided, single submitter. Criteria: ACMG Guidelines, 2015. Collection method: clinical testing. Allele origin: germline. Affected: no.

Breakthrough Genomics
Classification: Uncertain significance. Review status: criteria provided, single submitter. Criteria: ACMG Guidelines, 2015. Collection method: not provided. Allele origin: germline. Inheritance: Autosomal recessive inheritance. Affected: yes.

Department of Clinical Genetics, Copenhagen University Hospital, Rigshospitalet
Classification: Likely pathogenic for Retinitis pigmentosa. Last evaluated: 2018-04-01. Review status: no assertion criteria provided. Collection method: research. Allele origin: unknown. Affected: yes. Study: VeluxRD. Not counted in ClinVar's aggregate classification.

Literature cited by the submitters: PubMed 30718709 (cited by 4 submitters).